The following is an entry in ClinVar:

NM_005732.4(RAD50):c.839A>C (p.Lys280Thr)

Gene: RAD50 (RAD50 double strand break repair protein; plus strand). Cytogenetic location: 5q31.1.
Variant type: single nucleotide variant.
Coding change: c.839A>C on transcript NM_005732.4 (MANE Select); coding-DNA position 839, A replaced by C.
Protein change: p.Lys280Thr; replaces lysine 280 with threonine.
Molecular consequence: missense variant.
Genome position (GRCh38, 1-based): chr5:132,587,644, A>C. VCF-style: chr5-132587644-A-C. GRCh37 (hg19) VCF-style: chr5-131923336-A-C.
Other names: short protein forms K280T.
Identifiers: ClinVar variation 1763207 (VCV001763207.6), dbSNP rs1750618293, ClinGen allele CA360940351.
Genomic context (GRCh38, chr5:132,587,644, plus strand): 5'-ATAATCTCTCTAAAATAATGAAACTTGACAATGAAATTAAAGCCTTGGATAGCCGAAAGA[A>C]GCAAATGGAGAAAGATAATAGTGAACTGGAAGAGAAAATGGAAAAGGTTTGTGGTGGTAG-3'
Protein context (NP_005723.2, residues 270-290): NEIKALDSRK[Lys280Thr]QMEKDNSELE

ClinVar aggregate classification (germline): Uncertain significance. Review status: criteria provided, multiple submitters, no conflicts (2 of 4 stars). 2 submissions from 2 submitters: Uncertain significance (2). Last evaluated 2024-06-30.

Conditions:
Hereditary cancer-predisposing syndrome. Also called: Neoplastic Syndromes, Hereditary; Tumor predisposition; Hereditary Cancer Syndrome; Hereditary neoplastic syndrome. Identifiers: Orphanet 140162, MedGen C0027672, MeSH D009386, MONDO:0015356.

Submissions (2):

Ambry Genetics
Classification: Uncertain significance for Hereditary cancer-predisposing syndrome. Last evaluated: 2024-06-30. Review status: criteria provided, single submitter. Criteria: Ambry Variant Classification Scheme 2023. Collection method: clinical testing. Allele origin: germline.
Comment: The p.K280T variant (also known as c.839A>C), located in coding exon 6 of the RAD50 gene, results from an A to C substitution at nucleotide position 839. The lysine at codon 280 is replaced by threonine, an amino acid with similar properties. This amino acid position is well conserved in available vertebrate species. In addition, this alteration is predicted to be tolerated by in silico analysis. Since supporting evidence is limited at this time, the clinical significance of this alteration remains unclear.

Labcorp Genetics (formerly Invitae), Labcorp
Classification: Uncertain significance for Hereditary cancer-predisposing syndrome. Last evaluated: 2023-07-07. Review status: criteria provided, single submitter. Criteria: Invitae Variant Classification Sherloc (09022015). Collection method: clinical testing. Allele origin: germline.
Comment: In summary, the available evidence is currently insufficient to determine the role of this variant in disease. Therefore, it has been classified as a Variant of Uncertain Significance. Advanced modeling of protein sequence and biophysical properties (such as structural, functional, and spatial information, amino acid conservation, physicochemical variation, residue mobility, and thermodynamic stability) has been performed at Invitae for this missense variant, however the output from this modeling did not meet the statistical confidence thresholds required to predict the impact of this variant on RAD50 protein function. ClinVar contains an entry for this variant (Variation ID: 1763207). This variant has not been reported in the literature in individuals affected with RAD50-related conditions. This variant is not present in population databases (gnomAD no frequency). This sequence change replaces lysine, which is basic and polar, with threonine, which is neutral and polar, at codon 280 of the RAD50 protein (p.Lys280Thr).